The following is an entry in ClinVar:

ClinVar aggregate classification (germline): Likely benign (1 of 4 stars; one submission).

gnomAD v4.1: 138 of 1,608,660 alleles (0.0086%); highest among the groups gnomAD compares: Non-Finnish European, 0.011%; no homozygotes.

Submission:

CeGaT Center for Human Genetics Tuebingen
Classification: Likely benign. Last evaluated: 2024-07-01. Review status: criteria provided, single submitter. Criteria: CeGaT Center For Human Genetics Tuebingen Variant Classification Criteria Version 2. Collection method: clinical testing. Allele origin: germline. Affected: yes. Observed: 1 variant allele.
Comment: QRICH1: BP4, BP7

NM_198880.3(QRICH1):c.714G>A (p.Thr238=)

Gene: QRICH1 (glutamine rich 1; minus strand). Cytogenetic location: 3p21.31.
Variant type: single nucleotide variant.
Coding change: c.714G>A on transcript NM_198880.3 (MANE Select); coding-DNA position 714, G replaced by A.
Protein change: p.Thr238=; no amino-acid change (threonine 238 retained).
Molecular consequence: synonymous variant.
Genome position (GRCh38, 1-based): chr3:49,057,486, C>T on the plus strand (G>A on the coding strand, the complement: QRICH1 is on the minus strand). VCF-style: chr3-49057486-C-T. GRCh37 (hg19) VCF-style: chr3-49094919-C-T.
Other names: c.714G>A, p.Thr238= (NM_001320580.2, NM_001320581.2, NM_001320582.2 and 4 more transcripts).
Identifiers: ClinVar variation 3257690 (VCV003257690.17).
Genomic context (GRCh38, chr3:49,057,486, plus strand): 5'-GTAGGACACAGTGATGGGCATGTCCACTTTGCGCTTCTTCACTGGTTGGAGGACACTGGC[C>T]GTGCCAACCCGCCGCTCCCCTTCCCGGGGTGAGCCCTGCTGGGATGGTGGTGGGGAAAGG-3'
Protein context (NP_942581.1, residues 228-248): SPREGERRVG[Thr238=]ASVLQPVKKR